The following is an entry in ClinVar:

NM_207352.4(CYP4V2):c.1328G>A (p.Arg443Gln)

Gene: CYP4V2 (cytochrome P450 family 4 subfamily V member 2; plus strand). Cytogenetic location: 4q35.2.
Variant type: single nucleotide variant.
Coding change: c.1328G>A on transcript NM_207352.4 (MANE Select); coding-DNA position 1328, G replaced by A.
Protein change: p.Arg443Gln; replaces arginine 443 with glutamine.
Molecular consequence: missense variant.
Genome position (GRCh38, 1-based): chr4:186,209,195, G>A. VCF-style: chr4-186209195-G-A. GRCh37 (hg19) VCF-style: chr4-187130349-G-A.
Other names: short protein forms R443Q.
Identifiers: ClinVar variation 497287 (VCV000497287.20), dbSNP rs72646291, ClinGen allele CA3162830.
Genomic context (GRCh38, chr4:186,209,195, plus strand): 5'-CCTATGCATTGCACAGAGATCCGAGATACTTCCCCAACCCCGAGGAGTTCCAGCCTGAGC[G>A]GTTCTTCCCCGAGAATGCACAAGGGCGCCATCCATATGCCTACGTGCCCTTCTCTGCTGG-3'
Protein context (NP_997235.3, residues 433-453): FPNPEEFQPE[Arg443Gln]FFPENAQGRH

ClinVar aggregate classification (germline): Conflicting classifications of pathogenicity. Review status: criteria provided, conflicting classifications (1 of 4 stars). 7 submissions from 6 submitters: Uncertain significance (2); Benign (1); Likely benign (4). Last evaluated 2026-04-02.

Conditions:
CYP4V2-related disorder. Also called: CYP4V2-related condition; CYP4V2-related disorders.
Corneal dystrophy. Identifiers: Orphanet 34533, MedGen C0010036, MONDO:0018102, HP:0001131.
Bietti crystalline corneoretinal dystrophy (BCD). Also called: Bietti Crystalline Dystrophy; BIETTI TAPETORETINAL DEGENERATION WITH MARGINAL CORNEAL DYSTROPHY. Identifiers: Orphanet 41751, MedGen C1859486, MONDO:0008865, OMIM 210370.

Allele frequency attached by ClinVar (database versions not stated): gnomAD exomes 0.00132; ExAC 0.00149; 1000 Genomes Project 0.00160; 1000 Genomes Project 30x 0.00172; ESP Exome Variant Server 0.00277; gnomAD 0.00281 and 0.00306; TOPMed 0.00365.
gnomAD v4.1: 1,696 of 1,614,002 alleles (0.11%); highest among the groups gnomAD compares: Middle Eastern, 1.1%; 5 homozygotes.

Submissions (7):

PreventionGenetics, part of Exact Sciences
Classification: Likely benign for CYP4V2-related condition. Last evaluated: 2026-04-02. Review status: criteria provided, single submitter. Criteria: ACMG Guidelines, 2015. Collection method: clinical testing. Allele origin: germline.
Comment: This variant is classified as likely benign based on ACMG/AMP sequence variant interpretation guidelines (Richards et al. 2015 PMID: 25741868, with internal and published modifications).

Labcorp Genetics (formerly Invitae), Labcorp
Classification: Likely benign. Last evaluated: 2026-01-21. Review status: criteria provided, single submitter. Criteria: Invitae Variant Classification Sherloc (09022015). Collection method: clinical testing. Allele origin: germline.

GeneDx
Classification: Uncertain significance. Last evaluated: 2025-02-12. Review status: criteria provided, single submitter. Criteria: GeneDx Variant Classification Process June 2021. Collection method: clinical testing. Allele origin: germline. Affected: yes.
Comment: Reported with a second CYP4V2 variant in a patient with features of Bietti crystalline dystrophy in published literature, but it is not known whether the variants occurred on the same (in cis) or on different (in trans) chromosomes (PMID: 23221965); In silico analysis supports that this missense variant has a deleterious effect on protein structure/function; This variant is associated with the following publications: (PMID: 34426522, 27884173, 23221965)

Blueprint Genetics
Classification: Likely benign. Last evaluated: 2024-11-22. Review status: criteria provided, single submitter. Criteria: ACMG Guidelines, 2015. Collection method: clinical testing. Allele origin: germline.

Illumina Laboratory Services, Illumina
Classification: Uncertain significance for Corneal dystrophy. Last evaluated: 2017-04-27. Review status: criteria provided, single submitter. Criteria: ICSL Variant Classification Criteria 13 December 2019. Collection method: clinical testing. Allele origin: germline.

Illumina Laboratory Services, Illumina
Classification: Likely benign for Bietti crystalline corneoretinal dystrophy. Last evaluated: 2017-04-27. Review status: criteria provided, single submitter. Criteria: ICSL Variant Classification Criteria 13 December 2019. Collection method: clinical testing. Allele origin: germline.
Comment: This variant was observed as part of a predisposition screen in an ostensibly healthy population. A literature search was performed for the gene, cDNA change, and amino acid change (where applicable). Publications were found based on this search. The evidence from the literature, in combination with allele frequency data from public databases where available, was sufficient to determine this variant is unlikely to cause disease. Therefore, this variant is classified as likely benign.

Eurofins Ntd Llc (ga)
Classification: Benign. Last evaluated: 2016-09-29. Review status: criteria provided, single submitter. Criteria: EGL Classification Definitions 2015. Collection method: clinical testing. Allele origin: germline. Observed: 2 variant alleles, 2 heterozygotes.

Literature cited by the submitters: PubMed 15937078 (cited by Illumina Laboratory Services, Illumina); PubMed 24480711 (cited by Illumina Laboratory Services, Illumina); PubMed 23221965 (cited by Illumina Laboratory Services, Illumina).